The following is an entry in ClinVar:

ClinVar aggregate classification (germline): Uncertain significance (1 of 4 stars; one submission).

Submission:

GeneDx
Classification: Uncertain significance. Last evaluated: 2024-10-15. Review status: criteria provided, single submitter. Criteria: GeneDx Variant Classification Process June 2021. Collection method: clinical testing. Allele origin: germline. Affected: yes.
Comment: Not observed at significant frequency in large population cohorts (gnomAD); In silico analysis supports that this missense variant has a deleterious effect on protein structure/function; In silico analysis supports a deleterious effect on splicing; Has not been previously published as pathogenic or benign to our knowledge

NM_001395656.1(ROBO2):c.2215G>A (p.Ala739Thr)

Genes: ROBO2 (roundabout guidance receptor 2; plus strand), LOC126806727 (BRD4-independent group 4 enhancer GRCh37_chr3:77623115-77624314; plus strand). Cytogenetic location: 3p12.3.
Variant type: single nucleotide variant.
Coding change: c.2215G>A on transcript NM_001395656.1 (MANE Select); coding-DNA position 2215, G replaced by A.
Protein change: p.Ala739Thr; replaces alanine 739 with threonine.
Molecular consequence: missense variant.
Genome position (GRCh38, 1-based): chr3:77,574,730, G>A. VCF-style: chr3-77574730-G-A. GRCh37 (hg19) VCF-style: chr3-77623881-G-A.
Other names: c.2251G>A, p.Ala751Thr (NM_001128929.3); c.2215G>A, p.Ala739Thr (NM_001290039.2, NM_001290040.2, NM_001378202.1); c.424G>A, p.Ala142Thr (NM_001290065.2); c.2263G>A, p.Ala755Thr (NM_001378190.1, NM_001378191.1, NM_001378195.1 and 4 more transcripts); c.2284G>A, p.Ala762Thr (NM_001378192.1, NM_001378194.1, NM_001378198.1 and 2 more transcripts); c.2203G>A, p.Ala735Thr (NM_001378193.1, NM_001378197.1, NM_002942.5); c.2272G>A, p.Ala758Thr (NM_001394212.1, NM_001394214.1, NM_001395657.1); short protein forms A751T, A758T, A142T, A739T, A762T, A735T, A755T.
Identifiers: ClinVar variation 3781142 (VCV003781142.1).